The following is an entry in ClinVar:

ClinVar aggregate classification (germline): Uncertain significance (1 of 4 stars; one submission).

Allele frequency attached by ClinVar (database versions not stated): gnomAD exomes below 0.00001.
gnomAD v4.1: 2 of 1,614,074 alleles (0.00012%); highest among the groups gnomAD compares: African/African-American, 0.0027%; 1 homozygote.

Submission:

Labcorp Genetics (formerly Invitae), Labcorp
Classification: Uncertain significance. Last evaluated: 2025-10-12. Review status: criteria provided, single submitter. Criteria: Invitae Variant Classification Sherloc (09022015). Collection method: clinical testing. Allele origin: germline.
Comment: This sequence change falls in intron 25 of the DUOX2 gene. It does not directly change the encoded amino acid sequence of the DUOX2 protein. It affects a nucleotide within the consensus splice site. This variant is not present in population databases (gnomAD no frequency). This variant has not been reported in the literature in individuals affected with DUOX2-related conditions. ClinVar contains an entry for this variant (Variation ID: 2027193). Variants that disrupt the consensus splice site are a relatively common cause of aberrant splicing (PMID: 17576681, 9536098). Algorithms developed to predict the effect of sequence changes on RNA splicing suggest that this variant may disrupt the consensus splice site. In summary, the available evidence is currently insufficient to determine the role of this variant in disease. Therefore, it has been classified as a Variant of Uncertain Significance.

Literature cited by the submitters: PubMed 17576681; PubMed 9536098.

NM_001363711.2(DUOX2):c.3415+3A>G

Gene: DUOX2 (dual oxidase 2; minus strand). Cytogenetic location: 15q21.1.
Variant type: single nucleotide variant.
Coding change: c.3415+3A>G on transcript NM_001363711.2 (MANE Select); 3 bases into the intron after coding-DNA position 3415, A replaced by G.
Molecular consequence: intron variant.
Genome position (GRCh38, 1-based): chr15:45,099,659, T>C on the plus strand (A>G on the coding strand, the complement: DUOX2 is on the minus strand). VCF-style: chr15-45099659-T-C. GRCh37 (hg19) VCF-style: chr15-45391857-T-C.
Other names: c.3415+3A>G (NM_014080.5).
Identifiers: ClinVar variation 2027193 (VCV002027193.3), dbSNP rs2504749530, ClinGen allele CA2580089497.
Genomic context (GRCh38, chr15:45,099,659, plus strand): 5'-CTGTTTCCCCCAACTAGACCCAGGGTGCTGCAGCAAAGAGGAAGAAGCCTGGGAGTCACG[T>C]ACTGGCCAGGACAACAGCAGCCATGGCGATCCAGCGGTGGAAGTCCACTGCGGCATCAAA-3'